The following is an entry in ClinVar:

ClinVar aggregate classification (germline): Uncertain significance (1 of 4 stars; one submission).

Conditions:
Arrhythmogenic right ventricular dysplasia 8 (ARVD8). Also called: Arrhythmogenic Right Ventricular Dysplasia/Cardiomyopathy 8; ARRHYTHMOGENIC RIGHT VENTRICULAR DYSPLASIA, FAMILIAL, 8; ARRHYTHMOGENIC RIGHT VENTRICULAR CARDIOMYOPATHY 8. Identifiers: MedGen C1843896, MONDO:0011831, OMIM 607450.
Arrhythmogenic cardiomyopathy with wooly hair and keratoderma. Also called: Arrhythmogenic cardiomyopathy with woolly hair and keratoderma; PALMOPLANTAR KERATODERMA WITH LEFT VENTRICULAR CARDIOMYOPATHY AND WOOLLY HAIR; Carvajal syndrome; Dilated cardiomyopathy with woolly hair and keratoderma. Identifiers: Orphanet 65282, MedGen C1854063, MONDO:0011581, OMIM 605676.

gnomAD v4.1: 8 of 1,614,014 alleles (0.0005%); highest among the groups gnomAD compares: Non-Finnish European, 0.00068%; no homozygotes.

Submission:

Labcorp Genetics (formerly Invitae), Labcorp
Classification: Uncertain significance for Arrhythmogenic cardiomyopathy with wooly hair and keratoderma; Arrhythmogenic right ventricular dysplasia 8. Last evaluated: 2025-03-31. Review status: criteria provided, single submitter. Criteria: Invitae Variant Classification Sherloc (09022015). Collection method: clinical testing. Allele origin: germline.
Comment: This sequence change replaces methionine, which is neutral and non-polar, with isoleucine, which is neutral and non-polar, at codon 409 of the DSP protein (p.Met409Ile). This variant is not present in population databases (gnomAD no frequency). This variant has not been reported in the literature in individuals affected with DSP-related conditions. An algorithm developed to predict the effect of missense changes on protein structure and function (PolyPhen-2) suggests that this variant is likely to be tolerated. In summary, the available evidence is currently insufficient to determine the role of this variant in disease. Therefore, it has been classified as a Variant of Uncertain Significance.

NM_004415.4(DSP):c.1227G>T (p.Met409Ile)

Gene: DSP (desmoplakin; plus strand). Cytogenetic location: 6p24.3.
Variant type: single nucleotide variant.
Coding change: c.1227G>T on transcript NM_004415.4 (MANE Select); coding-DNA position 1227, G replaced by T.
Protein change: p.Met409Ile; replaces methionine 409 with isoleucine.
Molecular consequence: missense variant.
Genome position (GRCh38, 1-based): chr6:7,567,867, G>T. VCF-style: chr6-7567867-G-T. GRCh37 (hg19) VCF-style: chr6-7568100-G-T.
Other names: c.1227G>T, p.Met409Ile (NM_001008844.3, NM_001319034.2, NM_001406591.1); short protein forms M409I.
Identifiers: ClinVar variation 4789052 (VCV004789052.1).